The following is an entry in ClinVar:

ClinVar aggregate classification (germline): Benign/Likely benign. Review status: criteria provided, multiple submitters, no conflicts (2 of 4 stars). 4 submissions from 4 submitters: Benign (1); Likely benign (3). Last evaluated 2026-07-15.

Conditions:
SLC34A1-related disorder. Also called: SLC34A1-related disorders; SLC34A1-related condition.
Hypophosphatemic nephrolithiasis/osteoporosis 1. Identifiers: Orphanet 244305, MedGen C2676786, MONDO:0012850, OMIM 612286.
Fanconi renotubular syndrome 2 (FRTS2). Identifiers: MedGen C3150652, MONDO:0013247, OMIM 613388.
Hypercalcemia, infantile, 2 (HCINF2). Identifiers: Orphanet 300547, MedGen C4310473, MONDO:0014851, OMIM 616963.

Allele frequency attached by ClinVar (database versions not stated): gnomAD 0.00001 and 0.00004; TOPMed 0.00001; 1000 Genomes Project 30x 0.00016; 1000 Genomes Project 0.00020; gnomAD exomes 0.00039; ExAC 0.00046.
gnomAD v4.1: 201 of 1,612,754 alleles (0.012%); highest among the groups gnomAD compares: South Asian, 0.16%; 2 homozygotes.

Submissions (4):

PreventionGenetics, part of Exact Sciences
Classification: Likely benign for SLC34A1-related condition. Last evaluated: 2026-07-15. Review status: criteria provided, single submitter. Criteria: ACMG Guidelines, 2015. Collection method: clinical testing. Allele origin: germline.
Comment: This variant is classified as likely benign based on ACMG/AMP sequence variant interpretation guidelines (Richards et al. 2015 PMID: 25741868, with internal and published modifications).

CeGaT Center for Human Genetics Tuebingen
Classification: Likely benign. Last evaluated: 2026-02-01. Review status: criteria provided, single submitter. Criteria: CeGaT Center For Human Genetics Tuebingen Variant Classification Criteria Version 2. Collection method: clinical testing. Allele origin: germline. Affected: yes. Observed: 1 variant allele.
Comment: SLC34A1: PP3, BS2

Labcorp Genetics (formerly Invitae), Labcorp
Classification: Benign. Last evaluated: 2025-06-09. Review status: criteria provided, single submitter. Criteria: Invitae Variant Classification Sherloc (09022015). Collection method: clinical testing. Allele origin: germline.

Fulgent Genetics
Classification: Likely benign for Hypophosphatemic nephrolithiasis/osteoporosis 1; Fanconi renotubular syndrome 2; Hypercalcemia, infantile, 2. Last evaluated: 2024-04-26. Review status: criteria provided, single submitter. Criteria: ACMG Guidelines, 2015. Collection method: clinical testing. Allele origin: germline.

NM_003052.5(SLC34A1):c.652G>A (p.Ala218Thr)

Gene: SLC34A1 (solute carrier family 34 member 1; plus strand). Cytogenetic location: 5q35.3.
Variant type: single nucleotide variant.
Coding change: c.652G>A on transcript NM_003052.5 (MANE Select); coding-DNA position 652, G replaced by A.
Protein change: p.Ala218Thr; replaces alanine 218 with threonine.
Molecular consequence: missense variant.
Genome position (GRCh38, 1-based): chr5:177,388,001, G>A. VCF-style: chr5-177388001-G-A. GRCh37 (hg19) VCF-style: chr5-176815002-G-A.
Other names: c.652G>A, p.Ala218Thr (NM_001167579.2); short protein forms A218T.
Identifiers: ClinVar variation 729319 (VCV000729319.12), dbSNP rs569024586, ClinGen allele CA3580495.